The following is an entry in ClinVar:

ClinVar aggregate classification (germline): Likely benign (0 of 4 stars; one submission).

Conditions:
KANK2-related disorder. Also called: KANK2-related condition.

Submission:

PreventionGenetics, part of Exact Sciences
Classification: Likely benign for KANK2-related condition. Last evaluated: 2021-10-28. Review status: no assertion criteria provided. Collection method: clinical testing. Allele origin: germline.
Comment: This variant is classified as likely benign based on ACMG/AMP sequence variant interpretation guidelines (Richards et al. 2015 PMID: 25741868, with internal and published modifications).

NM_001136191.3(KANK2):c.1200T>C (p.His400=)

Gene: KANK2 (KN motif and ankyrin repeat domains 2; minus strand). Cytogenetic location: 19p13.2.
Variant type: single nucleotide variant.
Coding change: c.1200T>C on transcript NM_001136191.3 (MANE Select); coding-DNA position 1200, T replaced by C.
Protein change: p.His400=; no amino-acid change (histidine 400 retained).
Molecular consequence: synonymous variant.
Genome position (GRCh38, 1-based): chr19:11,192,880, A>G on the plus strand (T>C on the coding strand, the complement: KANK2 is on the minus strand). VCF-style: chr19-11192880-A-G. GRCh37 (hg19) VCF-style: chr19-11303556-A-G.
Other names: c.1200T>C, p.His400= (NM_001329451.2, NM_001379548.1, NM_001379549.1 and 15 more transcripts).
Identifiers: ClinVar variation 3057580 (VCV003057580.2), dbSNP rs759715464, ClinGen allele CA305357597.